The following is an entry in ClinVar:

NM_019032.6(ADAMTSL4):c.1832del (p.Pro611fs)

Genes: ADAMTSL4 (ADAMTS like 4; plus strand), ADAMTSL4-AS2 (ADAMTSL4 antisense RNA 2; minus strand). Cytogenetic location: 1q21.2.
Variant type: Deletion.
Coding change: c.1832del on transcript NM_019032.6 (MANE Select); coding-DNA position 1832, one base deleted (C; older notation c.1832delC).
Protein change: p.Pro611fs; shifts the reading frame from proline 611.
Molecular consequence: frameshift variant. On other transcripts: intron variant (1).
Genome position (GRCh38, 1-based): chr1:150,557,021, C deleted; the last of 4 consecutive C bases (chr1:150,557,018-150,557,021); deleting any one gives the same sequence. VCF-style (leftmost placement, unchanged base first): chr1-150557017-AC-A. GRCh37 (hg19) VCF-style: chr1-150529493-AC-A.
Other names: c.1901del, p.Pro634fs (NM_001288608.2); c.1832del, p.Pro611fs (NM_001378596.1, NM_025008.5); c.1856+45del (NM_001288607.2); short protein forms P611fs, P634fs.
Identifiers: ClinVar variation 1958578 (VCV001958578.5), dbSNP rs1219204735, ClinGen allele CA526260800.

ClinVar aggregate classification (germline): Pathogenic (1 of 4 stars; one submission).

Submission:

Labcorp Genetics (formerly Invitae), Labcorp
Classification: Pathogenic. Last evaluated: 2026-02-01. Review status: criteria provided, single submitter. Criteria: Invitae Variant Classification Sherloc (09022015). Collection method: clinical testing. Allele origin: germline.
Comment: This sequence change creates a premature translational stop signal (p.Pro611Glnfs*13) in the ADAMTSL4 gene. It is expected to result in an absent or disrupted protein product. Loss-of-function variants in ADAMTSL4 are known to be pathogenic (PMID: 20564469, 28642162). This variant is present in population databases (no rsID available, gnomAD 0.0009%). This variant has not been reported in the literature in individuals affected with ADAMTSL4-related conditions. ClinVar contains an entry for this variant (Variation ID: 1958578). For these reasons, this variant has been classified as Pathogenic.

Literature cited by the submitters: PubMed 20564469; PubMed 28642162.